The following is an entry in ClinVar:

ClinVar aggregate classification (germline): Uncertain significance (1 of 4 stars; one submission).

Submission:

Ambry Genetics
Classification: Uncertain significance. Last evaluated: 2022-05-01. Review status: criteria provided, single submitter. Criteria: Ambry Variant Classification Scheme 2023. Collection method: clinical testing. Allele origin: germline.
Comment: The p.S1485Y variant (also known as c.4454C>A), located in coding exon 35 of the PRKDC gene, results from a C to A substitution at nucleotide position 4454. The serine at codon 1485 is replaced by tyrosine, an amino acid with dissimilar properties. This amino acid position is conserved. Since supporting evidence is limited at this time, the clinical significance of this alteration remains unclear.

NM_006904.7(PRKDC):c.4454C>A (p.Ser1485Tyr)

Gene: PRKDC (protein kinase, DNA-activated, catalytic subunit; minus strand). Cytogenetic location: 8q11.21.
Variant type: single nucleotide variant.
Coding change: c.4454C>A on transcript NM_006904.7 (MANE Select); coding-DNA position 4454, C replaced by A.
Protein change: p.Ser1485Tyr; replaces serine 1485 with tyrosine.
Molecular consequence: missense variant.
Genome position (GRCh38, 1-based): chr8:47,887,665, G>T on the plus strand (C>A on the coding strand, the complement: PRKDC is on the minus strand). VCF-style: chr8-47887665-G-T. GRCh37 (hg19) VCF-style: chr8-48800226-G-T.
Other names: c.4454C>A, p.Ser1485Tyr (NM_001081640.2); short protein forms S1485Y.
Identifiers: ClinVar variation 1740723 (VCV001740723.2), dbSNP rs2551873392, ClinGen allele CA371144104.
Genomic context (GRCh38, chr8:47,887,665, plus strand): 5'-AGGTCTAGAGAAGGCAGACACTGTCTCTCATCTCCAGGGGCAATGCCTTTATAAACCAGG[G>T]AAAGAAGTTCTGTGCCAACAGAATGATGCAAATCTGTGGACTAAAAGGAAGCCAACACTG-3'
Protein context (NP_008835.5, residues 1475-1495): LHHSVGTELL[Ser1485Tyr]LVYKGIAPGD